The following is an entry in ClinVar:

ClinVar aggregate classification (germline): Uncertain significance (1 of 4 stars; one submission).

Submission:

GeneDx
Classification: Uncertain significance. Last evaluated: 2023-06-05. Review status: criteria provided, single submitter. Criteria: GeneDx Variant Classification Process June 2021. Collection method: clinical testing. Allele origin: germline. Affected: yes.
Comment: Not observed at significant frequency in large population cohorts (gnomAD); In silico analysis supports a deleterious effect on protein structure/function; Has not been previously published as pathogenic or benign to our knowledge

NM_004562.3(PRKN):c.521_522delinsCT (p.Leu174Pro)

Genes: PRKN (parkin RBR E3 ubiquitin protein ligase; minus strand), LOC126859871 (MED14-independent group 3 enhancer GRCh37_chr6:162621359-162622558; plus strand). Cytogenetic location: 6q26.
Variant type: Indel.
Coding change: c.521_522delinsCT on transcript NM_004562.3 (MANE Select); coding-DNA positions 521 to 522, TC replaced by CT.
Protein change: p.Leu174Pro; replaces leucine 174 with proline.
Molecular consequence: missense variant. On other transcripts: intron variant (1).
Genome position (GRCh38, 1-based): chr6:162,201,143-162,201,144, GA replaced by AG on the plus strand (TC replaced by CT on the coding strand, the reverse complement: PRKN is on the minus strand). VCF-style: chr6-162201143-GA-AG. GRCh37 (hg19) VCF-style: chr6-162622175-GA-AG.
Other names: c.521_522delinsCT, p.Leu174Pro (NM_013987.3); c.172-227727_172-227726delinsCT (NM_013988.3); short protein forms L174P.
Identifiers: ClinVar variation 3359543 (VCV003359543.1).
Genomic context (GRCh38, chr6:162,201,143, plus strand): 5'-ACACATTCATTTTCCTGGCAGTCTCATGCTGACACTGCATTTCCTTACCTGGGTCAAGGT[GA>AG]GCGTTGCCTGCCTGCAGGTGCTGCACTGTACCCTGAGTTTTCCCGGCTGCACTCTTTGAC-3'
Protein context (NP_004553.2, residues 164-184): VQCSTCRQAT[Leu174Pro]TLTQGPSCWD